The following is an entry in ClinVar:

NM_004064.5(CDKN1B):c.591A>G (p.Gln197=)

Gene: CDKN1B (cyclin dependent kinase inhibitor 1B; plus strand). Cytogenetic location: 12p13.1.
Variant type: single nucleotide variant.
Coding change: c.591A>G on transcript NM_004064.5 (MANE Select); coding-DNA position 591, A replaced by G.
Protein change: p.Gln197=; no amino-acid change (glutamine 197 retained).
Molecular consequence: synonymous variant.
Genome position (GRCh38, 1-based): chr12:12,718,940, A>G. VCF-style: chr12-12718940-A-G. GRCh37 (hg19) VCF-style: chr12-12871874-A-G.
Identifiers: ClinVar variation 2796768 (VCV002796768.3), dbSNP rs2497407776, ClinGen allele CA478669910.
Genomic context (GRCh38, chr12:12,718,940, plus strand): 5'-TTCCCCAAATGCCGGTTCTGTGGAGCAGACGCCCAAGAAGCCTGGCCTCAGAAGACGTCA[A>G]ACGTAAACAGCTCGGTGGGTTGATCACTAAAGGAGCACGCACTGGAACCCGGGGCCTTCA-3'
Protein context (NP_004055.1, residues 187-198): TPKKPGLRRR[Gln197=]T

ClinVar aggregate classification (germline): Uncertain significance (1 of 4 stars; one submission).

Conditions:
Multiple endocrine neoplasia type 4. Also called: MULTIPLE ENDOCRINE NEOPLASIA, TYPE IV. Identifiers: Orphanet 276152, MedGen C1970712, MONDO:0012552, OMIM 610755.

gnomAD v4.1: 2 of 1,614,048 alleles (0.00012%); highest among the groups gnomAD compares: Non-Finnish European, 0.00017%; no homozygotes.

Submission:

Labcorp Genetics (formerly Invitae), Labcorp
Classification: Uncertain significance for Multiple endocrine neoplasia type 4. Last evaluated: 2023-06-20. Review status: criteria provided, single submitter. Criteria: Invitae Variant Classification Sherloc (09022015). Collection method: clinical testing. Allele origin: germline.
Comment: Algorithms developed to predict the effect of sequence changes on RNA splicing suggest that this variant may disrupt the consensus splice site. This sequence change affects codon 197 of the CDKN1B mRNA. It is a 'silent' change, meaning that it does not change the encoded amino acid sequence of the CDKN1B protein. This variant is not present in population databases (gnomAD no frequency). This variant has not been reported in the literature in individuals affected with CDKN1B-related conditions. In summary, the available evidence is currently insufficient to determine the role of this variant in disease. Therefore, it has been classified as a Variant of Uncertain Significance.